The following is an entry in ClinVar:

NM_153704.6(TMEM67):c.1174C>T (p.Pro392Ser)

Gene: TMEM67 (transmembrane protein 67; plus strand). Cytogenetic location: 8q22.1.
Variant type: single nucleotide variant.
Coding change: c.1174C>T on transcript NM_153704.6 (MANE Select); coding-DNA position 1174, C replaced by T.
Protein change: p.Pro392Ser; replaces proline 392 with serine.
Molecular consequence: missense variant. On other transcripts: non-coding transcript variant (1).
Genome position (GRCh38, 1-based): chr8:93,785,264, C>T. VCF-style: chr8-93785264-C-T. GRCh37 (hg19) VCF-style: chr8-94797492-C-T.
Other names: c.931C>T, p.Pro311Ser (NM_001142301.1); short protein forms P311S, P392S.
Identifiers: ClinVar variation 2444315 (VCV002444315.1), dbSNP rs2536860225, ClinGen allele CA371689278.

ClinVar aggregate classification (germline): Uncertain significance (1 of 4 stars; one submission).

Conditions:
Meckel syndrome, type 3 (MKS3). Also called: MECKEL-GRUBER SYNDROME, TYPE 3. Identifiers: Orphanet 564, MedGen C1846357, MONDO:0011821, OMIM 607361.

Submission:

3billion
Classification: Uncertain significance for Meckel syndrome, type 3. Last evaluated: 2023-02-23. Review status: criteria provided, single submitter. Criteria: ACMG Guidelines, 2015. Collection method: clinical testing. Allele origin: unknown. Affected: yes.
Comment: The variant is not observed in the gnomAD v2.1.1 dataset. In silico tool predictions suggest damaging effect of the variant on gene or gene product (REVEL: 0.77; 3Cnet: 0.88). However, the evidence of pathogenicity is insufficient at this time. Therefore, this variant is classified as VUS according to the recommendation of ACMG/AMP guideline.